The following is an entry in ClinVar:

ClinVar aggregate classification (germline): Uncertain significance (1 of 4 stars; one submission).

gnomAD v4.1: 3 of 1,613,982 alleles (0.00019%); highest among the groups gnomAD compares: Non-Finnish European, 0.00025%; no homozygotes.

Submission:

Labcorp Genetics (formerly Invitae), Labcorp
Classification: Uncertain significance. Last evaluated: 2023-01-10. Review status: criteria provided, single submitter. Criteria: Invitae Variant Classification Sherloc (09022015). Collection method: clinical testing. Allele origin: germline.
Comment: In summary, the available evidence is currently insufficient to determine the role of this variant in disease. Therefore, it has been classified as a Variant of Uncertain Significance. Advanced modeling of protein sequence and biophysical properties (such as structural, functional, and spatial information, amino acid conservation, physicochemical variation, residue mobility, and thermodynamic stability) has been performed at Invitae for this missense variant, however the output from this modeling did not meet the statistical confidence thresholds required to predict the impact of this variant on WFS1 protein function. This variant has not been reported in the literature in individuals affected with WFS1-related conditions. This variant is present in population databases (rs369450642, gnomAD 0.0009%). This sequence change replaces arginine, which is basic and polar, with proline, which is neutral and non-polar, at codon 383 of the WFS1 protein (p.Arg383Pro).

NM_006005.3(WFS1):c.1148G>C (p.Arg383Pro)

Gene: WFS1 (wolframin ER transmembrane glycoprotein; plus strand). Cytogenetic location: 4p16.1.
Variant type: single nucleotide variant.
Coding change: c.1148G>C on transcript NM_006005.3 (MANE Select); coding-DNA position 1148, G replaced by C.
Protein change: p.Arg383Pro; replaces arginine 383 with proline.
Molecular consequence: missense variant.
Genome position (GRCh38, 1-based): chr4:6,300,943, G>C. VCF-style: chr4-6300943-G-C. GRCh37 (hg19) VCF-style: chr4-6302670-G-C.
Other names: c.1148G>C, p.Arg383Pro (NM_001145853.1); short protein forms R383P.
Identifiers: ClinVar variation 2804379 (VCV002804379.3), dbSNP rs369450642, ClinGen allele CA2839238.